The following is an entry in ClinVar:

ClinVar aggregate classification (germline): Likely benign (1 of 4 stars; one submission).

gnomAD v4.1: 28 of 1,613,976 alleles (0.0017%); highest among the groups gnomAD compares: Middle Eastern, 0.033%; no homozygotes.

Submission:

CeGaT Center for Human Genetics Tuebingen
Classification: Likely benign. Last evaluated: 2025-08-01. Review status: criteria provided, single submitter. Criteria: CeGaT Center For Human Genetics Tuebingen Variant Classification Criteria Version 2. Collection method: clinical testing. Allele origin: germline. Affected: yes. Observed: 1 variant allele.
Comment: PMVK: BP4, BP7

NM_006556.4(PMVK):c.171G>A (p.Leu57=)

Gene: PMVK (phosphomevalonate kinase; minus strand). Cytogenetic location: 1q21.3.
Variant type: single nucleotide variant.
Coding change: c.171G>A on transcript NM_006556.4 (MANE Select); coding-DNA position 171, G replaced by A.
Protein change: p.Leu57=; no amino-acid change (leucine 57 retained).
Molecular consequence: synonymous variant. On other transcripts: 5 prime UTR variant (1), intron variant (1).
Genome position (GRCh38, 1-based): chr1:154,929,165, C>T on the plus strand (G>A on the coding strand, the complement: PMVK is on the minus strand). VCF-style: chr1-154929165-C-T. GRCh37 (hg19) VCF-style: chr1-154901641-C-T.
Other names: c.129G>A, p.Leu43= (NM_001323011.3); c.-55G>A (NM_001323012.3); c.54-108G>A (NM_001348696.2).
Identifiers: ClinVar variation 4280796 (VCV004280796.7).